The following is an entry in ClinVar:

ClinVar aggregate classification (germline): Pathogenic/Likely pathogenic. Review status: criteria provided, multiple submitters, no conflicts (2 of 4 stars). 6 submissions from 6 submitters: Pathogenic (2); Likely pathogenic (2). 2 of the submissions do not count toward it. Last evaluated 2024-03-04.

Conditions:
Zellweger spectrum disorders (ZS). Also called: Zellweger Spectrum Disorder; Zellweger Spectrum; Zellweger Spectrum Disorder (ZSD); Zellweger syndrome. Identifiers: Orphanet 912, MedGen C0043459, MONDO:0019609.
Heimler syndrome 1 (HMLR1). Also called: PEROXISOME BIOGENESIS DISORDER 1C. Identifiers: Orphanet 3220, MedGen C4551980, OMIM 234580, MONDO:0024544.
PEX1-related disorder. Also called: PEX1-related condition.
Peroxisome biogenesis disorder 1A (Zellweger) (PBD1A). Also called: Zellweger leukodystrophy; Peroxisome biogenesis disorder 1a. Identifiers: MedGen C4721541, MONDO:0008953, OMIM 214100.

Submissions (6):

Baylor Genetics
Classification: Pathogenic for Heimler syndrome 1. Last evaluated: 2024-03-04. Review status: criteria provided, single submitter. Criteria: ACMG Guidelines, 2015. Collection method: clinical testing. Allele origin: unknown.

Labcorp Genetics (formerly Invitae), Labcorp
Classification: Pathogenic for Zellweger spectrum disorders. Last evaluated: 2022-12-15. Review status: criteria provided, single submitter. Criteria: Invitae Variant Classification Sherloc (09022015). Collection method: clinical testing. Allele origin: germline.
Comment: This sequence change creates a premature translational stop signal (p.Cys629*) in the PEX1 gene. It is expected to result in an absent or disrupted protein product. Loss-of-function variants in PEX1 are known to be pathogenic (PMID: 9398847, 16086329, 16141001, 21031596, 26387595, 31831025). This variant is present in population databases (no rsID available, gnomAD 0.0009%). This premature translational stop signal has been observed in individual(s) with Zellweger spectrum disorder (PMID: 21031596). ClinVar contains an entry for this variant (Variation ID: 554241). For these reasons, this variant has been classified as Pathogenic.

Blueprint Genetics
Classification: Likely pathogenic for PEX1-related disorders. Last evaluated: 2019-09-24. Review status: criteria provided, single submitter. Criteria: ACMG Guidelines, 2015. Collection method: clinical testing. Allele origin: germline. Affected: yes. Observed: 1 variant allele.

GeneDx
Classification: Likely pathogenic. Last evaluated: 2018-12-06. Review status: criteria provided, single submitter. Criteria: GeneDx Variant Classification (06012015). Collection method: clinical testing. Allele origin: germline. Affected: yes.
Comment: The c.1886_1887delGT variant in the PEX1 gene has been reported previously in the heterozygous state in a fibroblast cell line derived from a patient with Zellweger syndrome spectrum (Ebberink et al., 2011); it is unclear if this cell line harbored a second PEX1 variant. The c.1886_1887delGT variant causes a frameshift start at codon Cysteine 629, changing this amino acid to a premature stop codon, denoted p.C629Ter. This variant is predicted to cause loss of normal protein function either through protein truncation or nonsense-mediated mRNA decay. The c.1886_1887delGT variant is not observed at a significant frequency in large population cohorts (Lek et al., 2016). We interpret c.1886_1887delGT as a likely pathogenic variant.

Natera, Inc.
Classification: Likely pathogenic for Zellweger syndrome. Last evaluated: 2020-09-16. Review status: no assertion criteria provided. Collection method: clinical testing. Allele origin: germline. Not counted in ClinVar's aggregate classification.

Counsyl
Classification: Likely pathogenic for Peroxisome biogenesis disorder 1A (Zellweger). Last evaluated: 2017-10-04. Review status: no assertion criteria provided. Collection method: clinical testing. Allele origin: unknown. Not counted in ClinVar's aggregate classification.

Literature cited by the submitters: PubMed 9398847 (cited by Labcorp Genetics (formerly Invitae), Labcorp); PubMed 16086329 (cited by Labcorp Genetics (formerly Invitae), Labcorp); PubMed 16141001 (cited by Labcorp Genetics (formerly Invitae), Labcorp); PubMed 21031596 (cited by Labcorp Genetics (formerly Invitae), Labcorp and Counsyl); PubMed 26387595 (cited by Labcorp Genetics (formerly Invitae), Labcorp); PubMed 31831025 (cited by Labcorp Genetics (formerly Invitae), Labcorp).

NM_000466.3(PEX1):c.1886_1887del (p.Asp628_Cys629insTer)

Gene: PEX1 (peroxisomal biogenesis factor 1; minus strand). Cytogenetic location: 7q21.2.
Variant type: Deletion.
Coding change: c.1886_1887del on transcript NM_000466.3 (MANE Select); coding-DNA positions 1886 to 1887, 2 bases deleted (GT; older notation c.1886_1887delGT).
Protein change: p.Asp628_Cys629insTer.
Molecular consequence: nonsense.
Genome position (GRCh38, 1-based): chr7:92,506,261-92,506,262, AC deleted on the plus strand (GT on the coding strand, the reverse complement: PEX1 is on the minus strand); deleting any 2 consecutive bases within chr7:92,506,261-92,506,263 gives the same sequence; the c. name uses the placement nearest the transcript's 3' end. VCF-style (leftmost placement, unchanged base first): chr7-92506260-TAC-T. GRCh37 (hg19) VCF-style: chr7-92135574-TAC-T.
Other names: c.1886_1887delGT (NM_000466.3); c.1886_1887del, p.Asp628_Cys629insTer (NM_001282677.2); c.1262_1263del, p.Asp420_Cys421insTer (NM_001282678.2).
Identifiers: ClinVar variation 554241 (VCV000554241.10), dbSNP rs1398892633, ClinGen allele CA576305548.